The following is an entry in ClinVar:

NM_004991.4(MECOM):c.2759G>A (p.Arg920His)

Gene: MECOM (MDS1 and EVI1 complex locus; minus strand). Cytogenetic location: 3q26.2.
Variant type: single nucleotide variant.
Coding change: c.2759G>A on transcript NM_004991.4 (MANE Select); coding-DNA position 2759, G replaced by A.
Protein change: p.Arg920His; replaces arginine 920 with histidine.
Molecular consequence: missense variant.
Genome position (GRCh38, 1-based): chr3:169,102,072, C>T on the plus strand (G>A on the coding strand, the complement: MECOM is on the minus strand). VCF-style: chr3-169102072-C-T. GRCh37 (hg19) VCF-style: chr3-168819860-C-T.
Other names: c.2168G>A, p.Arg723His (NM_001366471.2, NM_001366472.2, NM_001164000.2); c.1760G>A, p.Arg587His (NM_001366473.2); c.1196G>A, p.Arg399His (NM_001366474.2); c.2195G>A, p.Arg732His (NM_005241.4, NM_001105078.4, NM_001205194.2 and 1 more transcripts); c.2390G>A, p.Arg797His (NM_001105077.4); c.2171G>A, p.Arg724His (NM_001163999.2, NM_001366470.2); c.2732G>A, p.Arg911His (NM_001366466.2); c.2198G>A, p.Arg733His (NM_001366467.2, NM_001366468.2); short protein forms R399H, R587H, R723H, R724H, R733H, R732H, R797H, R911H.
Identifiers: ClinVar variation 3394361 (VCV003394361.14).

ClinVar aggregate classification (germline): Uncertain significance. Review status: criteria provided, multiple submitters, no conflicts (2 of 4 stars). 2 submissions from 2 submitters: Uncertain significance (2). Last evaluated 2024-12-02.

Conditions:
Inborn genetic diseases. Identifiers: MedGen C0950123, MeSH D030342.

gnomAD v4.1: 6 of 1,612,236 alleles (0.00037%); highest among the groups gnomAD compares: African/African-American, 0.0013%; no homozygotes.

Submissions (2):

Ambry Genetics
Classification: Uncertain significance for Inborn genetic diseases. Last evaluated: 2024-12-02. Review status: criteria provided, single submitter. Criteria: Ambry Variant Classification Scheme 2023. Collection method: clinical testing. Allele origin: germline.
Comment: The p.R920H variant (also known as c.2759G>A), located in coding exon 11 of the MECOM gene, results from a G to A substitution at nucleotide position 2759. The arginine at codon 920 is replaced by histidine, an amino acid with highly similar properties. This amino acid position is conserved. In addition, the in silico prediction for this alteration is inconclusive. Based on the available evidence, the clinical significance of this variant remains unclear.

CeGaT Center for Human Genetics Tuebingen
Classification: Uncertain significance. Last evaluated: 2024-12-01. Review status: criteria provided, single submitter. Criteria: CeGaT Center For Human Genetics Tuebingen Variant Classification Criteria Version 2. Collection method: clinical testing. Allele origin: germline. Affected: yes. Observed: 1 variant allele.
Comment: MECOM: PP2